The following is an entry in ClinVar:

ClinVar aggregate classification (germline): Uncertain significance. Review status: criteria provided, multiple submitters, no conflicts (2 of 4 stars). 2 submissions from 2 submitters: Uncertain significance (2). Last evaluated 2026-02-11.

Conditions:
Developmental and epileptic encephalopathy, 53. Also called: Epileptic encephalopathy, early infantile, 53. Identifiers: MedGen C4479313, MONDO:0033362, OMIM 617389.
Early-onset Parkinson disease 20. Also called: PARKINSON DISEASE 20, AUTOSOMAL RECESSIVE EARLY-ONSET. Identifiers: Orphanet 391411, MedGen C3809824, MONDO:0014233, OMIM 615530.

Allele frequency attached by ClinVar (database versions not stated): gnomAD exomes 0.00002; TOPMed 0.00008; gnomAD 0.00001; ExAC 0.00002.
gnomAD v4.1: 21 of 1,614,028 alleles (0.0013%); highest among the groups gnomAD compares: Admixed American, 0.0067%; no homozygotes.

Submissions (2):

GeneDx
Classification: Uncertain significance. Last evaluated: 2026-02-11. Review status: criteria provided, single submitter. Criteria: GeneDx Variant Classification Process June 2021. Collection method: clinical testing. Allele origin: germline.
Comment: Reported as a heterozygous variant in a patient with early-onset Parkinson disease who also had a variant in another gene that may have been related to the phenotype (PMID: 23804577); Not observed at significant frequency in large population cohorts (gnomAD); In silico analysis suggests that this missense variant does not alter protein structure/function; This variant is associated with the following publications: (PMID: 32375870, 23804577, 35893043)

Labcorp Genetics (formerly Invitae), Labcorp
Classification: Uncertain significance for Developmental and epileptic encephalopathy, 53; Early-onset Parkinson disease 20. Last evaluated: 2025-02-03. Review status: criteria provided, single submitter. Criteria: Invitae Variant Classification Sherloc (09022015). Collection method: clinical testing. Allele origin: germline.
Comment: This sequence change replaces serine, which is neutral and polar, with arginine, which is basic and polar, at codon 1422 of the SYNJ1 protein (p.Ser1422Arg). This variant is present in population databases (rs769099271, gnomAD 0.009%). This missense change has been observed in individual(s) with early-onset Parkinsonism (PMID: 23804577). ClinVar contains an entry for this variant (Variation ID: 861168). An algorithm developed to predict the effect of missense changes on protein structure and function (PolyPhen-2) suggests that this variant¬¨‚Ä†is likely to be tolerated. In summary, the available evidence is currently insufficient to determine the role of this variant in disease. Therefore, it has been classified as a Variant of Uncertain Significance.

Literature cited by the submitters: PubMed 23804577 (cited by Labcorp Genetics (formerly Invitae), Labcorp).

NM_203446.3(SYNJ1):c.*235A>C

Gene: SYNJ1 (synaptojanin 1; minus strand). Cytogenetic location: 21q22.11.
Variant type: single nucleotide variant.
Coding change: c.*235A>C on transcript NM_203446.3 (MANE Select); 235 bases downstream of the stop codon, A replaced by C.
Molecular consequence: 3 prime UTR variant. On other transcripts: missense variant (2).
Genome position (GRCh38, 1-based): chr21:32,631,570, T>G on the plus strand (A>C on the coding strand, the complement: SYNJ1 is on the minus strand). VCF-style: chr21-32631570-T-G. GRCh37 (hg19) VCF-style: chr21-34003880-T-G.
Other names: c.*235A>C (NM_001160302.2); c.4006A>C, p.Ser1336Arg (NM_001160306.2); c.4264A>C, p.Ser1422Arg (NM_003895.4); short protein forms S1336R, S1422R.
Identifiers: ClinVar variation 861168 (VCV000861168.9), dbSNP rs769099271, ClinGen allele CA10003148.